The following is an entry in ClinVar:

ClinVar aggregate classification (germline): Uncertain significance (1 of 4 stars; one submission).

Submission:

Labcorp Genetics (formerly Invitae), Labcorp
Classification: Uncertain significance. Last evaluated: 2024-07-15. Review status: criteria provided, single submitter. Criteria: Invitae Variant Classification Sherloc (09022015). Collection method: clinical testing. Allele origin: germline.
Comment: This sequence change replaces alanine, which is neutral and non-polar, with valine, which is neutral and non-polar, at codon 486 of the AGBL5 protein (p.Ala486Val). This variant is not present in population databases (gnomAD no frequency). This variant has not been reported in the literature in individuals affected with AGBL5-related conditions. ClinVar contains an entry for this variant (Variation ID: 1909123). An algorithm developed to predict the effect of missense changes on protein structure and function (PolyPhen-2) suggests that this variant is likely to be tolerated. Algorithms developed to predict the effect of sequence changes on RNA splicing suggest that this variant may create or strengthen a splice site. In summary, the available evidence is currently insufficient to determine the role of this variant in disease. Therefore, it has been classified as a Variant of Uncertain Significance.

NM_021831.6(AGBL5):c.1457C>T (p.Ala486Val)

Gene: AGBL5 (AGBL carboxypeptidase 5; plus strand). Cytogenetic location: 2p23.3.
Variant type: single nucleotide variant.
Coding change: c.1457C>T on transcript NM_021831.6 (MANE Select); coding-DNA position 1457, C replaced by T.
Protein change: p.Ala486Val; replaces alanine 486 with valine.
Molecular consequence: missense variant. On other transcripts: non-coding transcript variant (2).
Genome position (GRCh38, 1-based): chr2:27,056,714, C>T. VCF-style: chr2-27056714-C-T. GRCh37 (hg19) VCF-style: chr2-27279582-C-T.
Other names: c.1457C>T, p.Ala486Val (NM_001035506.1, NM_001035507.3); short protein forms A486V.
Identifiers: ClinVar variation 1909123 (VCV001909123.5), dbSNP rs1668448156, ClinGen allele CA346182558.